The following is an entry in ClinVar:

NM_000455.5(STK11):c.1266C>T (p.Ser422=)

Gene: STK11 (serine/threonine kinase 11; plus strand). Cytogenetic location: 19p13.3.
Variant type: single nucleotide variant.
Coding change: c.1266C>T on transcript NM_000455.5 (MANE Select); coding-DNA position 1266, C replaced by T.
Protein change: p.Ser422=; no amino-acid change (serine 422 retained).
Molecular consequence: synonymous variant.
Genome position (GRCh38, 1-based): chr19:1,226,611, C>T. VCF-style: chr19-1226611-C-T. GRCh37 (hg19) VCF-style: chr19-1226610-C-T.
Identifiers: ClinVar variation 184045 (VCV000184045.15), dbSNP rs751352435, ClinGen allele CA022573.

ClinVar aggregate classification (germline): Conflicting classifications of pathogenicity. Review status: criteria provided, conflicting classifications (1 of 4 stars). 4 submissions from 4 submitters: Uncertain significance (2); Benign (1); Likely benign (1). Last evaluated 2026-06-01.

Conditions:
Hereditary cancer-predisposing syndrome. Also called: Tumor predisposition; Hereditary Cancer Syndrome; Hereditary neoplastic syndrome; Neoplastic Syndromes, Hereditary. Identifiers: Orphanet 140162, MedGen C0027672, MeSH D009386, MONDO:0015356.
Peutz-Jeghers syndrome (PJS). Also called: POLYPOSIS, HAMARTOMATOUS INTESTINAL; POLYPS-AND-SPOTS SYNDROME; Peutz-Jeghers polyposis; Periorificial lentiginosis syndrome. Identifiers: Orphanet 2869, MedGen C0031269, MeSH D010580, MONDO:0008280, OMIM 175200.

Allele frequency attached by ClinVar (database versions not stated): ExAC 0.00005.
gnomAD v4.1: 3 of 1,556,592 alleles (0.00019%); highest among the groups gnomAD compares: Admixed American, 0.0019%; no homozygotes.

Submissions (4):

Ambry Genetics
Classification: Likely benign for Hereditary cancer-predisposing syndrome. Last evaluated: 2026-06-01. Review status: criteria provided, single submitter. Criteria: Ambry Variant Classification Scheme 2023. Collection method: clinical testing. Allele origin: germline.

Myriad Genetics, Inc.
Classification: Benign for Peutz-Jeghers syndrome. Last evaluated: 2025-03-31. Review status: criteria provided, single submitter. Criteria: Myriad Autosomal Dominant, Autosomal Recessive and X-Linked Classification Criteria (2023). Collection method: clinical testing. Allele origin: unknown.
Comment: This variant is considered benign. This variant is a silent/synonymous amino acid change and it is not expected to impact splicing.

Labcorp Genetics (formerly Invitae), Labcorp
Classification: Uncertain significance for Peutz-Jeghers syndrome. Last evaluated: 2023-08-18. Review status: criteria provided, single submitter. Criteria: Invitae Variant Classification Sherloc (09022015). Collection method: clinical testing. Allele origin: germline.
Comment: This sequence change affects codon 422 of the STK11 mRNA. It is a 'silent' change, meaning that it does not change the encoded amino acid sequence of the STK11 protein. The frequency data for this variant in the population databases is considered unreliable, as metrics indicate poor data quality at this position in the gnomAD database. This variant has not been reported in the literature in individuals affected with STK11-related conditions. ClinVar contains an entry for this variant (Variation ID: 184045). Algorithms developed to predict the effect of sequence changes on RNA splicing suggest that this variant may create or strengthen a splice site. In summary, the available evidence is currently insufficient to determine the role of this variant in disease. Therefore, it has been classified as a Variant of Uncertain Significance.

Genome-Nilou Lab
Classification: Uncertain significance for Peutz-Jeghers syndrome. Last evaluated: 2021-07-15. Review status: criteria provided, single submitter. Criteria: ACMG Guidelines, 2015. Collection method: clinical testing. Allele origin: germline. Affected: no.